The following is an entry in ClinVar:

ClinVar aggregate classification (germline): Uncertain significance (1 of 4 stars; one submission).

Conditions:
Granulomatous disease, chronic, autosomal recessive, cytochrome b-positive, type 2. Also called: GRANULOMATOUS DISEASE, CHRONIC, AUTOSOMAL RECESSIVE, 2; Chronic granulomatous disease due to deficiency of NCF-2; GRANULOMATOUS DISEASE, CHRONIC, DUE TO NCF2 DEFICIENCY; CGD, AUTOSOMAL RECESSIVE CYTOCHROME b-POSITIVE, TYPE II; Chronic Granulomatous Disease, Autosomal Recessive, Cytochrome b-Positive, Type II. Identifiers: Orphanet 379, MedGen C1856245, MONDO:0009310, OMIM 233710.

gnomAD v4.1: 39 of 1,613,732 alleles (0.0024%); highest among the groups gnomAD compares: East Asian, 0.082%; no homozygotes.

Submission:

Labcorp Genetics (formerly Invitae), Labcorp
Classification: Uncertain significance for Granulomatous disease, chronic, autosomal recessive, cytochrome b-positive, type 2. Last evaluated: 2021-08-30. Review status: criteria provided, single submitter. Criteria: Invitae Variant Classification Sherloc (09022015). Collection method: clinical testing. Allele origin: germline.
Comment: This sequence change replaces alanine with threonine at codon 59 of the NCF2 protein (p.Ala59Thr). The alanine residue is highly conserved and there is a small physicochemical difference between alanine and threonine. This variant is present in population databases (rs545984071, ExAC 0.06%). This variant has not been reported in the literature in individuals affected with NCF2-related conditions. Algorithms developed to predict the effect of missense changes on protein structure and function are either unavailable or do not agree on the potential impact of this missense change (SIFT: "Deleterious"; PolyPhen-2: "Probably Damaging"; Align-GVGD: "Class C0"). In summary, the available evidence is currently insufficient to determine the role of this variant in disease. Therefore, it has been classified as a Variant of Uncertain Significance.

NM_000433.4(NCF2):c.175G>A (p.Ala59Thr)

Gene: NCF2 (neutrophil cytosolic factor 2; minus strand). Cytogenetic location: 1q25.3.
Variant type: single nucleotide variant.
Coding change: c.175G>A on transcript NM_000433.4 (MANE Select); coding-DNA position 175, G replaced by A.
Protein change: p.Ala59Thr; replaces alanine 59 with threonine.
Molecular consequence: missense variant.
Genome position (GRCh38, 1-based): chr1:183,586,977, C>T on the plus strand (G>A on the coding strand, the complement: NCF2 is on the minus strand). VCF-style: chr1-183586977-C-T. GRCh37 (hg19) VCF-style: chr1-183556112-C-T.
Other names: c.175G>A, p.Ala59Thr (NM_001127651.3, NM_001190789.2, NM_001190794.2); short protein forms A59T.
Identifiers: ClinVar variation 1360874 (VCV001360874.5), dbSNP rs545984071, ClinGen allele CA1285036.